The following is an entry in ClinVar:

ClinVar aggregate classification (germline): Likely benign. Review status: criteria provided, multiple submitters, no conflicts (2 of 4 stars). 3 submissions from 3 submitters: Likely benign (3). Last evaluated 2026-03-17.

Conditions:
COL18A1-related disorder. Also called: COL18A1-related disorders; COL18A1-related condition.

gnomAD v4.1: 186 of 1,612,872 alleles (0.012%); highest among the groups gnomAD compares: Non-Finnish European, 0.015%; no homozygotes.

Submissions (3):

PreventionGenetics, part of Exact Sciences
Classification: Likely benign for COL18A1-related condition. Last evaluated: 2026-03-17. Review status: criteria provided, single submitter. Criteria: ACMG Guidelines, 2015. Collection method: clinical testing. Allele origin: germline.
Comment: This variant is classified as likely benign based on ACMG/AMP sequence variant interpretation guidelines (Richards et al. 2015 PMID: 25741868, with internal and published modifications).

Labcorp Genetics (formerly Invitae), Labcorp
Classification: Likely benign. Last evaluated: 2025-12-22. Review status: criteria provided, single submitter. Criteria: Invitae Variant Classification Sherloc (09022015). Collection method: clinical testing. Allele origin: germline.

Blueprint Genetics
Classification: Likely benign. Last evaluated: 2024-11-13. Review status: criteria provided, single submitter. Criteria: ACMG Guidelines, 2015. Collection method: clinical testing. Allele origin: germline.

NM_001379500.1(COL18A1):c.107-12262C>G

Gene: COL18A1 (collagen type XVIII alpha 1 chain; plus strand). Cytogenetic location: 21q22.3.
Variant type: single nucleotide variant.
Coding change: c.107-12262C>G on transcript NM_001379500.1 (MANE Select); 12262 bases into the intron before coding-DNA position 107, C replaced by G.
Molecular consequence: intron variant. On other transcripts: synonymous variant (2).
Genome position (GRCh38, 1-based): chr21:45,455,980, C>G. VCF-style: chr21-45455980-C-G. GRCh37 (hg19) VCF-style: chr21-46875894-C-G.
Other names: c.450C>G, p.Gly150= (NM_030582.4, NM_130444.3); c.450C>G (NM_030582.3).
Identifiers: ClinVar variation 1672019 (VCV001672019.10), dbSNP rs780033569, ClinGen allele CA10065477.